The following is an entry in ClinVar:

NM_000497.4(CYP11B1):c.518A>G (p.Lys173Arg)

Genes: CYP11B1 (cytochrome P450 family 11 subfamily B member 1; minus strand), LOC106799833 (CYP11B1 recombination region; plus strand). Cytogenetic location: 8q24.3.
Variant type: single nucleotide variant.
Coding change: c.518A>G on transcript NM_000497.4 (MANE Select); coding-DNA position 518, A replaced by G.
Protein change: p.Lys173Arg; replaces lysine 173 with arginine.
Molecular consequence: missense variant.
Genome position (GRCh38, 1-based): chr8:142,877,100, T>C on the plus strand (A>G on the coding strand, the complement: CYP11B1 is on the minus strand). VCF-style: chr8-142877100-T-C. GRCh37 (hg19) VCF-style: chr8-143958516-T-C.
Other names: c.518A>G, p.Lys173Arg (NM_001026213.1); short protein forms K173R.
Identifiers: ClinVar variation 1343491 (VCV001343491.10), dbSNP rs142163070, ClinGen allele CA4905417.

ClinVar aggregate classification (germline): Conflicting classifications of pathogenicity. Review status: criteria provided, conflicting classifications (1 of 4 stars). 2 submissions from 2 submitters: Uncertain significance (1); Likely benign (1). Last evaluated 2026-05-13.

Allele frequency attached by ClinVar (database versions not stated): gnomAD exomes 0.00010 and 0.00020; gnomAD 0.00045 and 0.00046; 1000 Genomes Project 0.00120; ExAC 0.00028; TOPMed 0.00051; 1000 Genomes Project 30x 0.00109.

Submissions (2):

Women's Health and Genetics/Laboratory Corporation of America, LabCorp
Classification: Uncertain significance. Last evaluated: 2026-05-13. Review status: criteria provided, single submitter. Criteria: LabCorp Variant Classification Summary - May 2015. Collection method: clinical testing. Allele origin: germline.
Comment: Variant summary: CYP11B1 c.518A>G (p.Lys173Arg) results in a conservative amino acid change in the encoded protein sequence. Algorithms developed to predict the effect of missense changes on protein structure and function all suggest that this variant is likely to be tolerated. The variant allele was found at a frequency of 0.0002 in 249880 control chromosomes. This frequency is not significantly higher than estimated for disease-causing variants in CYP11B1, allowing no conclusion about variant significance. To our knowledge, no occurrence of c.518A>G in individuals affected with CYP11B1-related conditions and no experimental evidence demonstrating its impact on protein function have been reported. ClinVar contains an entry for this variant (Variation ID: 1343491). Based on the evidence outlined above, the variant was classified as uncertain significance.

Labcorp Genetics (formerly Invitae), Labcorp
Classification: Likely benign. Last evaluated: 2026-01-19. Review status: criteria provided, single submitter. Criteria: Invitae Variant Classification Sherloc (09022015). Collection method: clinical testing. Allele origin: germline.

Literature cited by the submitters: PubMed 9931115 (cited by Women's Health and Genetics/Laboratory Corporation of America, LabCorp).